The following is an entry in ClinVar:

NM_001267550.2(TTN):c.83345C>G (p.Ser27782Ter)

Genes: TTN-AS1 (TTN antisense RNA 1; plus strand), TTN (titin; minus strand). Cytogenetic location: 2q31.2.
Variant type: single nucleotide variant.
Coding change: c.83345C>G on transcript NM_001267550.2 (MANE Select); coding-DNA position 83345, C replaced by G.
Protein change: p.Ser27782Ter; replaces serine 27782 with a stop codon.
Molecular consequence: nonsense.
Genome position (GRCh38, 1-based): chr2:178,562,787, G>C on the plus strand (C>G on the coding strand, the complement: TTN is on the minus strand). VCF-style: chr2-178562787-G-C. GRCh37 (hg19) VCF-style: chr2-179427514-G-C.
Other names: c.78422C>G, p.Ser26141Ter (NM_001256850.1); c.56150C>G, p.Ser18717Ter (NM_003319.4); c.75641C>G, p.Ser25214Ter (NM_133378.4); c.56525C>G, p.Ser18842Ter (NM_133432.3); c.56726C>G, p.Ser18909Ter (NM_133437.4); short protein forms S27782*, S18909*, S18842*, S25214*, S26141*, S18717*.
Identifiers: ClinVar variation 466662 (VCV000466662.10), dbSNP rs769862471, ClinGen allele CA349568154.

ClinVar aggregate classification (germline): Likely pathogenic (1 of 4 stars; one submission).

Conditions:
Autosomal recessive limb-girdle muscular dystrophy type 2J (LGMDR10). Also called: Limb-girdle muscular dystrophy, type 2J; MUSCULAR DYSTROPHY, LIMB-GIRDLE, AUTOSOMAL RECESSIVE 10. Identifiers: Orphanet 140922, MedGen C1837342, MONDO:0012127, OMIM 608807.
Dilated cardiomyopathy 1G (CMD1G). Identifiers: Orphanet 154, MedGen C1858763, MONDO:0011400, OMIM 604145.

Submission:

Labcorp Genetics (formerly Invitae), Labcorp
Classification: Likely pathogenic for Dilated cardiomyopathy 1G; Autosomal recessive limb-girdle muscular dystrophy type 2J. Last evaluated: 2017-05-31. Review status: criteria provided, single submitter. Criteria: Invitae Variant Classification Sherloc (09022015). Collection method: clinical testing. Allele origin: germline.
Comment: This variant is found in the A-band of this gene. While this particular variant has not been reported in the literature, truncating variants in the A-band of TTN are significantly overrepresented in patients with dilated cardiomyopathy and are considered to be likely pathogenic for the disease (PMID: 25589632). This sequence change results in a premature translational stop signal in the TTN gene (p.Ser27782*). It is expected to result in a disrupted protein product. In summary, the currently available evidence indicates that the variant is pathogenic, but additional data are needed to prove that conclusively. Therefore, this variant has been classified as Likely Pathogenic.

Literature cited by the submitters: PubMed 25589632.